The following is an entry in ClinVar:

NM_030665.4(RAI1):c.1882G>A (p.Glu628Lys)

Gene: RAI1 (retinoic acid induced 1; plus strand). Cytogenetic location: 17p11.2.
Variant type: single nucleotide variant.
Coding change: c.1882G>A on transcript NM_030665.4 (MANE Select); coding-DNA position 1882, G replaced by A.
Protein change: p.Glu628Lys; replaces glutamic acid 628 with lysine.
Molecular consequence: missense variant.
Genome position (GRCh38, 1-based): chr17:17,794,830, G>A. VCF-style: chr17-17794830-G-A. GRCh37 (hg19) VCF-style: chr17-17698144-G-A.
Other names: c.1882G>A (NM_030665.3); short protein forms E628K.
Identifiers: ClinVar variation 1474485 (VCV001474485.11), dbSNP rs371291565, ClinGen allele CA8418418.
Genomic context (GRCh38, chr17:17,794,830, plus strand): 5'-GCCTCCGAGATCCTGGGGCTGCAGGAAGCCATCGGTGAGAAGGCCGACAAAGCTTGGGCT[G>A]AAGCACCCAGCCTGGTCAAGGACAGCAGCAAGCCACCCTTCTCGCTGGAGAACCACAGCG-3'
Protein context (NP_109590.3, residues 618-638): IGEKADKAWA[Glu628Lys]APSLVKDSSK

ClinVar aggregate classification (germline): Benign/Likely benign. Review status: criteria provided, multiple submitters, no conflicts (2 of 4 stars). 4 submissions from 4 submitters: Benign (1); Likely benign (2). 1 of the submissions does not count toward it. Last evaluated 2026-01-05.

Conditions:
Smith-Magenis syndrome (SMS). Also called: CHROMOSOME 17p11.2 DELETION SYNDROME. Identifiers: Orphanet 819, MedGen C0795864, MONDO:0008434, OMIM 182290.
17p11.2 microduplication syndrome (PTLS). Also called: CHROMOSOME 17p11.2 DUPLICATION SYNDROME; Potocki-Lupski syndrome; Duplication 17p11.2 syndrome; Potocki-Lupski syndrome (dup(17)(p11.2p11.2)). Identifiers: Orphanet 1713, MedGen C2931246, MONDO:0012574, OMIM 610883.
RAI1-related disorder. Also called: RAI1-related condition.
Inborn genetic diseases. Identifiers: MedGen C0950123, MeSH D030342.

Allele frequency attached by ClinVar (database versions not stated): gnomAD exomes 0.00004 and 0.00013; ExAC 0.00005; gnomAD 0.00006 and 0.00008; TOPMed 0.00006; ESP Exome Variant Server 0.00008.
gnomAD v4.1: 199 of 1,613,062 alleles (0.012%); highest among the groups gnomAD compares: Non-Finnish European, 0.016%; no homozygotes.

Submissions (4):

Labcorp Genetics (formerly Invitae), Labcorp
Classification: Benign. Last evaluated: 2026-01-05. Review status: criteria provided, single submitter. Criteria: Invitae Variant Classification Sherloc (09022015). Collection method: clinical testing. Allele origin: germline.

Ambry Genetics
Classification: Likely benign for Inborn genetic diseases. Last evaluated: 2022-09-22. Review status: criteria provided, single submitter. Criteria: Ambry Variant Classification Scheme 2023. Collection method: clinical testing. Allele origin: germline.

Genetics and Molecular Pathology, SA Pathology
Classification: Likely benign for Smith-Magenis syndrome. Last evaluated: 2020-11-19. Review status: criteria provided, single submitter. Criteria: ACMG Guidelines, 2015. Collection method: clinical testing. Allele origin: germline. Affected: yes.
Comment: The RAI1 c.1882G>A variant is a single nucleotide change from guanine to adenine at codon 1882 which is predicted to change the amino acid glutamic acid at position 628 in the protein to lysine. The variant is in exon 3 of 6. The variant has been reported in dbSNP (rs371291565) and is rare in population databases (gnomAD 14/281,448 alleles, frequency in Europeans 0.01%, 0 homozygotes). This variant has not been reported in the ClinVar or HGMD disease databases. Computational predictions are mixed (neither PP3 nor BP4 applied).

PreventionGenetics, part of Exact Sciences
Classification: Uncertain significance for RAI1-related condition. Last evaluated: 2024-04-05. Review status: no assertion criteria provided. Collection method: clinical testing. Allele origin: germline. Not counted in ClinVar's aggregate classification.
Comment: The RAI1 c.1882G>A variant is predicted to result in the amino acid substitution p.Glu628Lys. To our knowledge, this variant has not been reported in the literature. This variant is reported in 0.011% of alleles in individuals of European (Non-Finnish) descent in gnomAD. Although we suspect that this variant may be benign, at this time, the clinical significance of this variant is uncertain due to the absence of conclusive functional and genetic evidence.